The following is an entry in ClinVar:

ClinVar aggregate classification (germline): Pathogenic (1 of 4 stars; one submission).

Conditions:
Autosomal dominant Alport syndrome (ATS3A). Also called: Alport syndrome dominant type; Renal failure and sensorineural hearing loss; ALPORT SYNDROME 3A, AUTOSOMAL DOMINANT. Identifiers: Orphanet 63, Orphanet 88918, MedGen C5882663, MONDO:0007086, OMIM 104200.
Hematuria, benign familial, 1 (BFH1). Also called: THIN MEMBRANE NEPHROPATHY. Identifiers: MedGen CN376803, MONDO:0007709, OMIM 141200.

Submission:

Centre de Génétique Humaine, Institut de Pathologie Et de Génétique
Classification: Pathogenic for Hematuria, benign familial, 1; Autosomal dominant Alport syndrome. Last evaluated: 2026-04-16. Review status: criteria provided, single submitter. Criteria: ACMG Guidelines, 2015. Collection method: clinical testing. Allele origin: germline. Inheritance: Autosomal dominant inheritance. Affected: yes. Observed: 2 variant alleles, 2 heterozygotes. Clinical features observed: Microscopic hematuria (HP:0002907), Sensorineural hearing loss disorder (HP:0000407), Stage 2 chronic kidney disease (HP:0012624). Segregation with disease not observed.
Comment: This 13pb deletion is a frameshift variant predicted to result in protein truncation or nonsense mediated decay in a gene for which loss-of-function is a known mechanism of disease (PVS1). This variant is rare: absent in in gnomAD v4.1.0 database (PM2).

NM_000092.5(COL4A4):c.4722_4735del (p.Ala1575fs)

Gene: COL4A4 (collagen type IV alpha 4 chain; minus strand). Cytogenetic location: 2q36.3.
Variant type: Deletion.
Coding change: c.4722_4735del on transcript NM_000092.5 (MANE Select); coding-DNA positions 4722 to 4735, 14 bases deleted (GGCGGTGGCGGTGC).
Protein change: p.Ala1575fs; shifts the reading frame from alanine 1575.
Molecular consequence: frameshift variant.
Genome position (GRCh38, 1-based): chr2:227,008,092-227,008,105, GCACCGCCACCGCC deleted on the plus strand (GGCGGTGGCGGTGC on the coding strand, the reverse complement: COL4A4 is on the minus strand). VCF-style (leftmost placement, unchanged base first): chr2-227008091-TGCACCGCCACCGCC-T. GRCh37 (hg19) VCF-style: chr2-227872807-TGCACCGCCACCGCC-T.
Other names: p.(Ala1575Glnfs*54); short protein forms A1575fs.
Identifiers: ClinVar variation 4884680 (VCV004884680.1).